The following is an entry in ClinVar:

NM_001164508.2(NEB):c.7865T>G (p.Val2622Gly)

Gene: NEB (nebulin; minus strand). Cytogenetic location: 2q23.3.
Variant type: single nucleotide variant.
Coding change: c.7865T>G on transcript NM_001164508.2 (MANE Select); coding-DNA position 7865, T replaced by G.
Protein change: p.Val2622Gly; replaces valine 2622 with glycine.
Molecular consequence: missense variant.
Genome position (GRCh38, 1-based): chr2:151,643,909, A>C on the plus strand (T>G on the coding strand, the complement: NEB is on the minus strand). VCF-style: chr2-151643909-A-C. GRCh37 (hg19) VCF-style: chr2-152500423-A-C.
Other names: c.7865T>G, p.Val2622Gly (NM_001164507.2, NM_001271208.2, NM_004543.5); short protein forms V2622G.
Identifiers: ClinVar variation 568363 (VCV000568363.19), dbSNP rs563691738, ClinGen allele CA1909743.

ClinVar aggregate classification (germline): Conflicting classifications of pathogenicity. Review status: criteria provided, conflicting classifications (1 of 4 stars). 4 submissions from 4 submitters: Uncertain significance (2); Likely benign (1). 1 of the submissions does not count toward it. Last evaluated 2026-01-25.

Conditions:
Nemaline myopathy 2 (NEM2). Also called: Nemaline myopathy 2, autosomal recessive. Identifiers: MedGen C1850569, MONDO:0009725, OMIM 256030.
NEB-related disorder. Also called: NEB-related condition; NEB-Related Disorders.
Inborn genetic diseases. Identifiers: MedGen C0950123, MeSH D030342.

Allele frequency attached by ClinVar (database versions not stated): gnomAD below 0.00001 and 0.00009; TOPMed 0.00002; 1000 Genomes Project 30x 0.00016; gnomAD exomes 0.00017 and 0.00030; 1000 Genomes Project 0.00020; ExAC 0.00025.
gnomAD v4.1: 260 of 1,613,936 alleles (0.016%); highest among the groups gnomAD compares: South Asian, 0.27%; 4 homozygotes.

Submissions (4):

Labcorp Genetics (formerly Invitae), Labcorp
Classification: Likely benign for Nemaline myopathy 2. Last evaluated: 2026-01-25. Review status: criteria provided, single submitter. Criteria: Invitae Variant Classification Sherloc (09022015). Collection method: clinical testing. Allele origin: germline.

Ambry Genetics
Classification: Uncertain significance for Inborn genetic diseases. Last evaluated: 2024-08-27. Review status: criteria provided, single submitter. Criteria: Ambry Variant Classification Scheme 2023. Collection method: clinical testing. Allele origin: germline.

Illumina Laboratory Services, Illumina
Classification: Uncertain significance for Nemaline myopathy 2. Last evaluated: 2018-01-12. Review status: criteria provided, single submitter. Criteria: ICSL Variant Classification Criteria 13 December 2019. Collection method: clinical testing. Allele origin: germline.

PreventionGenetics, part of Exact Sciences
Classification: Likely benign for NEB-related condition. Last evaluated: 2022-02-16. Review status: no assertion criteria provided. Collection method: clinical testing. Allele origin: germline. Not counted in ClinVar's aggregate classification.
Comment: This variant is classified as likely benign based on ACMG/AMP sequence variant interpretation guidelines (Richards et al. 2015 PMID: 25741868, with internal and published modifications).